The following is an entry in ClinVar:

NM_014629.4(ARHGEF10):c.1517A>G (p.Lys506Arg)

Gene: ARHGEF10 (Rho guanine nucleotide exchange factor 10; plus strand). Cytogenetic location: 8p23.3.
Variant type: single nucleotide variant.
Coding change: c.1517A>G on transcript NM_014629.4 (MANE Select); coding-DNA position 1517, A replaced by G.
Protein change: p.Lys506Arg; replaces lysine 506 with arginine.
Molecular consequence: missense variant.
Genome position (GRCh38, 1-based): chr8:1,896,409, A>G. VCF-style: chr8-1896409-A-G. GRCh37 (hg19) VCF-style: chr8-1844575-A-G.
Other names: c.1403A>G, p.Lys468Arg (NM_001308152.2); c.1520A>G, p.Lys507Arg (NM_001308153.3); short protein forms K468R, K531R, K506R, K507R.
Identifiers: ClinVar variation 2121168 (VCV002121168.4), dbSNP rs2537464845, ClinGen allele CA369960074.

ClinVar aggregate classification (germline): Uncertain significance (1 of 4 stars; one submission).

Submission:

Labcorp Genetics (formerly Invitae), Labcorp
Classification: Uncertain significance. Last evaluated: 2025-12-30. Review status: criteria provided, single submitter. Criteria: Invitae Variant Classification Sherloc (09022015). Collection method: clinical testing. Allele origin: germline.
Comment: This sequence change replaces lysine, which is basic and polar, with arginine, which is basic and polar, at codon 506 of the ARHGEF10 protein (p.Lys506Arg). This variant is not present in population databases (gnomAD no frequency). This variant has not been reported in the literature in individuals affected with ARHGEF10-related conditions. ClinVar contains an entry for this variant (Variation ID: 2121168). Invitae Evidence Modeling of protein sequence and biophysical properties (such as structural, functional, and spatial information, amino acid conservation, physicochemical variation, residue mobility, and thermodynamic stability) indicates that this missense variant is not expected to disrupt ARHGEF10 protein function with a negative predictive value of 80%. In summary, the available evidence is currently insufficient to determine the role of this variant in disease. Therefore, it has been classified as a Variant of Uncertain Significance.